The following is an entry in ClinVar:

NM_145045.5(ODAD3):c.994GAC[1] (p.Asp333del)

Gene: ODAD3 (outer dynein arm docking complex subunit 3; minus strand). Cytogenetic location: 19p13.2.
Variant type: Microsatellite.
Coding change: c.994GAC[1] on transcript NM_145045.5 (MANE Select); one copy of the 3-base unit GAC starting at c.994; the reference has two copies in a row; one copy, 3 bases deleted.
Protein change: p.Asp333del; deletes aspartic acid 333.
Molecular consequence: inframe deletion.
Genome position (GRCh38, 1-based): chr19:11,423,994-11,423,996, GTC deleted on the plus strand (GAC on the coding strand, the reverse complement: ODAD3 is on the minus strand); deleting any 3 consecutive bases within chr19:11,423,994-11,424,000 gives the same sequence; the position shown is the placement nearest the transcript's 3' end. VCF-style (leftmost placement, unchanged base first): chr19-11423993-TGTC-T. GRCh37 (hg19) VCF-style: chr19-11534662-TGTC-T.
Other names: c.832GAC[1], p.Asp279del (NM_001302453.1); c.814GAC[1], p.Asp273del (NM_001302454.2); short protein forms D273del, D279del, D333del.
Identifiers: ClinVar variation 1034293 (VCV001034293.1), dbSNP rs746096719, ClinGen allele CA9212163.

ClinVar aggregate classification (germline): Uncertain significance (1 of 4 stars; one submission).

Conditions:
Primary ciliary dyskinesia 30. Also called: CILIARY DYSKINESIA, PRIMARY, 30, WITH OR WITHOUT SITUS INVERSUS. Identifiers: Orphanet 244, MedGen C4015016, MONDO:0014465, OMIM 616037.

Submission:

Baylor Genetics
Classification: Uncertain significance for Primary ciliary dyskinesia 30. Last evaluated: 2018-11-14. Review status: criteria provided, single submitter. Criteria: ACMG Guidelines, 2015. Collection method: clinical testing. Allele origin: paternal. Affected: yes.
Comment: This variant was determined to be of uncertain significance according to ACMG Guidelines, 2015 [PMID:25741868].